The following continues an entry in ClinVar:

NM_002878.4(RAD51D):c.355T>C (p.Cys119Arg)

ClinVar aggregate classification (germline): Conflicting classifications of pathogenicity. Uncertain significance (11); Likely benign (3).

Submissions 13 to 15 of 15:

CHEO Genetics Diagnostic Laboratory, Children's Hospital of Eastern Ontario
Classification: Uncertain significance for Breast and/or ovarian cancer. Last evaluated: 2021-04-20. Review status: criteria provided, single submitter. Criteria: ACMG Guidelines, 2015. Collection method: clinical testing. Allele origin: germline.

Women's Health and Genetics/Laboratory Corporation of America, LabCorp
Classification: Uncertain significance. Last evaluated: 2021-04-16. Review status: criteria provided, single submitter. Criteria: LabCorp Variant Classification Summary - May 2015. Collection method: clinical testing. Allele origin: germline.
Comment: Variant summary: RAD51D c.355T>C (p.Cys119Arg) results in a non-conservative amino acid change located in the AAA+ ATPase domain of the encoded protein sequence. Three of five in-silico tools predict a benign effect of the variant on protein function. The variant allele was found at a frequency of 5.8e-05 in 256850 control chromosomes. This frequency is not significantly higher than expected for a pathogenic variant in RAD51D causing Hereditary Breast And Ovarian Cancer Syndrome (5.8e-05 vs 0.00013), allowing no conclusion about variant significance. c.355T>C has been reported in the literature in individuals affected with Hereditary Breast And Ovarian Cancer Syndrome in the absence of BRCA mutations, as well as pancreatic cancer and prostate cancer (Osher_2012, Gutierrez-Enriques_2014, Song_2015, Tung_2015, Shindo_2017, Lu_2015, Penkert_2018). These reports do not provide unequivocal conclusions about association of the variant with Hereditary Breast And Ovarian Cancer Syndrome. To our knowledge, no experimental evidence demonstrating an impact on protein function has been reported. Six clinical diagnostic laboratories have submitted clinical-significance assessments for this variant to ClinVar after 2014 without evidence for independent evaluation; five classified as VUS while one classified as likely benign. Based on the evidence outlined above, the variant was classified as uncertain significance.

Department of Pathology and Laboratory Medicine, Sinai Health System
Classification: Uncertain significance for Malignant tumor of breast. Review status: no assertion criteria provided. Collection method: clinical testing. Allele origin: unknown. Affected: yes. Study: The Canadian Open Genetics Repository (COGR). Not counted in ClinVar's aggregate classification.
Comment: The RAD51D p.Cys119Arg variant was identified in 4 of 8892 proband chromosomes (frequency: 0.0004) from individuals or families with breast and ovarian cancer and was present in 2 of 5544 control chromosomes (frequency: 0.0004) from healthy individuals (Gutierrez-Enriquez 2013, Osher 2012, Song 2015). The variant was also identified in dbSNP (ID: rs201313861) as â€šÃ„ÃºWith Uncertain significance alleleâ€šÃ„Ã¹, and in ClinVar (classified as uncertain significance by GeneDx, Ambry genetics, Invitae, LCOA clinical laboratory). The variant was not identified in the Cosmic database. The variant was identified in control databases in 15 of 277134 chromosomes at a frequency of 0.0001 (Genome Aggregation Database Feb 27, 2017). It was observed in the following populations: African in 1 of 24020 chromosomes (freq: 0.00004), Latino in 3 of 34420 chromosomes (freq: 0.0001), European in 11 of 126692 chromosomes (freq: 0.0001); it was not observed in the â€šÃ„ÃºOtherâ€šÃ„Ã¹, Ashkenazi Jewish, East Asian, Finnish, and South Asian populations. The p.Cys119 residue is conserved in mammals and computational analyses (PolyPhen-2, SIFT, AlignGVGD, BLOSUM, MutationTaster) provide inconsistent predictions regarding the impact to the protein; this information is not very predictive of pathogenicity. The variant occurs outside of the splicing consensus sequence and 1 of 5 in silico or computational prediction software programs (SpliceSiteFinder, MaxEntScan, NNSPLICE, GeneSplicer, HumanSpliceFinder) predict a greater than 10% difference in splicing; this is not very predictive of pathogenicity. In summary, based on the above information, the clinical significance of this variant cannot be determined with certainty at this time. This variant is classified as a variant of uncertain significance.

Literature cited by the submitters: PubMed 22415235 (cited by 6 submitters); PubMed 24130102 (cited by 5 submitters); PubMed 25186627 (cited by 4 submitters); PubMed 26261251 (cited by 5 submitters); PubMed 28767289 (cited by 3 submitters); PubMed 30086788 (cited by 6 submitters); PubMed 25085752 (cited by Myriad Genetics, Inc.); PubMed 33471991 (cited by Quest Diagnostics Nichols Institute San Juan Capistrano and Sema4); PubMed 26689913 (cited by Quest Diagnostics Nichols Institute San Juan Capistrano and Women's Health and Genetics/Laboratory Corporation of America, LabCorp).